The following is an entry in ClinVar:

ClinVar aggregate classification (germline): Conflicting classifications of pathogenicity. Review status: criteria provided, conflicting classifications (1 of 4 stars). 3 submissions from 3 submitters: Uncertain significance (2); Likely benign (1). Last evaluated 2024-10-30.

Conditions:
Catecholaminergic polymorphic ventricular tachycardia 1. Also called: VENTRICULAR TACHYCARDIA, CATECHOLAMINERGIC POLYMORPHIC, 1, WITH OR WITHOUT ATRIAL DYSFUNCTION AND/OR DILATED CARDIOMYOPATHY; VENTRICULAR TACHYCARDIA, STRESS-INDUCED POLYMORPHIC 1; RYR2-Related Catecholaminergic Polymorphic Ventricular Tachycardia. Identifiers: Orphanet 3286, MedGen C1631597, MONDO:0011484, OMIM 604772.
Cardiomyopathy (CMYO). Also called: Cardiomyopathies. Identifiers: Orphanet 167848, MedGen C0878544, MONDO:0004994, HP:0001638. Inheritance: Various modes of inheritance.
Cardiovascular phenotype. Identifiers: MedGen CN230736.

Allele frequency attached by ClinVar (database versions not stated): gnomAD exomes below 0.00001.
gnomAD v4.1: 1 of 1,537,070 alleles (0.000065%); highest among the groups gnomAD compares: South Asian, 0.0012%; no homozygotes.

Submissions (3):

Labcorp Genetics (formerly Invitae), Labcorp
Classification: Uncertain significance for Catecholaminergic polymorphic ventricular tachycardia 1. Last evaluated: 2024-10-30. Review status: criteria provided, single submitter. Criteria: Invitae Variant Classification Sherloc (09022015). Collection method: clinical testing. Allele origin: germline.
Comment: This sequence change falls in intron 63 of the RYR2 gene. It does not directly change the encoded amino acid sequence of the RYR2 protein. It affects a nucleotide within the consensus splice site. The frequency data for this variant in the population databases is considered unreliable, as metrics indicate poor data quality at this position in the gnomAD database. This variant has not been reported in the literature in individuals affected with RYR2-related conditions. ClinVar contains an entry for this variant (Variation ID: 1332029). Variants that disrupt the consensus splice site are a relatively common cause of aberrant splicing (PMID: 17576681, 9536098). Algorithms developed to predict the effect of sequence changes on RNA splicing suggest that this variant is not likely to affect RNA splicing. In summary, the available evidence is currently insufficient to determine the role of this variant in disease. Therefore, it has been classified as a Variant of Uncertain Significance.

Ambry Genetics
Classification: Uncertain significance for Cardiovascular phenotype. Last evaluated: 2023-04-25. Review status: criteria provided, single submitter. Criteria: Ambry Variant Classification Scheme 2023. Collection method: clinical testing. Allele origin: germline.
Comment: The c.9068-3T>C intronic variant results from a T to C substitution 3 nucleotides upstream from coding exon 64 in the RYR2 gene. This nucleotide position is not well conserved in available vertebrate species. In silico splice site analysis predicts that this alteration will not have any significant effect on splicing. Since supporting evidence is limited at this time, the clinical significance of this alteration remains unclear.

Color Diagnostics, LLC DBA Color Health
Classification: Likely benign for Cardiomyopathy. Last evaluated: 2021-07-06. Review status: criteria provided, single submitter. Criteria: ACMG Guidelines, 2015. Collection method: clinical testing. Allele origin: germline.

Literature cited by the submitters: PubMed 17576681 (cited by Labcorp Genetics (formerly Invitae), Labcorp); PubMed 9536098 (cited by Labcorp Genetics (formerly Invitae), Labcorp).

NM_001035.3(RYR2):c.9068-3T>C

Gene: RYR2 (ryanodine receptor 2; plus strand). Cytogenetic location: 1q43.
Variant type: single nucleotide variant.
Coding change: c.9068-3T>C on transcript NM_001035.3 (MANE Select); 3 bases into the intron before coding-DNA position 9068, T replaced by C.
Molecular consequence: intron variant.
Genome position (GRCh38, 1-based): chr1:237,698,962, T>C. VCF-style: chr1-237698962-T-C. GRCh37 (hg19) VCF-style: chr1-237862262-T-C.
Other names: c.9068-3T>C (NM_001035.2).
Identifiers: ClinVar variation 1332029 (VCV001332029.6), dbSNP rs1273937983, ClinGen allele CA529553472.
Genomic context (GRCh38, chr1:237,698,962, plus strand): 5'-TAGAAAAGAAGAACATTGAGAAATTCTCAGGGCAATTTATACAGCATTTTGTTTCCTCTT[T>C]AGGCAATGATGCAACATCAATTGTCAACTGTCTTCATATTTTGGGTCAGACTTTGGATGC-3'